The following is an entry in ClinVar:

ClinVar aggregate classification (germline): Uncertain significance (1 of 4 stars; one submission).

Submission:

Labcorp Genetics (formerly Invitae), Labcorp
Classification: Uncertain significance. Last evaluated: 2025-12-22. Review status: criteria provided, single submitter. Criteria: Invitae Variant Classification Sherloc (09022015). Collection method: clinical testing. Allele origin: germline.
Comment: This sequence change replaces glutamine, which is neutral and polar, with arginine, which is basic and polar, at codon 126 of the KLF11 protein (p.Gln126Arg). This variant is not present in population databases (gnomAD no frequency). This variant has not been reported in the literature in individuals affected with KLF11-related conditions. An algorithm developed to predict the effect of missense changes on protein structure and function (PolyPhen-2) suggests that this variant is likely to be tolerated. In summary, the available evidence is currently insufficient to determine the role of this variant in disease. Therefore, it has been classified as a Variant of Uncertain Significance.

NM_003597.5(KLF11):c.377A>G (p.Gln126Arg)

Gene: KLF11 (KLF transcription factor 11; plus strand). Cytogenetic location: 2p25.1.
Variant type: single nucleotide variant.
Coding change: c.377A>G on transcript NM_003597.5 (MANE Select); coding-DNA position 377, A replaced by G.
Protein change: p.Gln126Arg; replaces glutamine 126 with arginine.
Molecular consequence: missense variant.
Genome position (GRCh38, 1-based): chr2:10,047,714, A>G. VCF-style: chr2-10047714-A-G. GRCh37 (hg19) VCF-style: chr2-10187841-A-G.
Other names: c.326A>G, p.Gln109Arg (NM_001177716.2, NM_001177718.2); short protein forms Q109R, Q126R.
Identifiers: ClinVar variation 4778994 (VCV004778994.1).